The following is an entry in ClinVar:

NM_005359.6(SMAD4):c.1144C>T (p.His382Tyr)

Gene: SMAD4 (SMAD family member 4; plus strand). Cytogenetic location: 18q21.2.
Variant type: single nucleotide variant.
Coding change: c.1144C>T on transcript NM_005359.6 (MANE Select); coding-DNA position 1144, C replaced by T.
Protein change: p.His382Tyr; replaces histidine 382 with tyrosine.
Molecular consequence: missense variant.
Genome position (GRCh38, 1-based): chr18:51,067,023, C>T. VCF-style: chr18-51067023-C-T. GRCh37 (hg19) VCF-style: chr18-48593393-C-T.
Other names: short protein forms H382Y.
Identifiers: ClinVar variation 822243 (VCV000822243.5), dbSNP rs1599196916, ClinGen allele CA402464718.
Genomic context (GRCh38, chr18:51,067,023, plus strand): 5'-AAATTTAATTTAAAATACTTATCAAGATAAAATGTAATTTCTTTTTTCTTCCTAAGGTTG[C>T]ACATAGGCAAAGGTGTGCAGTTGGAATGTAAAGGTGAAGGTGATGTTTGGGTCAGGTGCC-3'
Protein context (NP_005350.1, residues 372-392): RTEAIERARL[His382Tyr]IGKGVQLECK

ClinVar aggregate classification (germline): Uncertain significance (1 of 4 stars; one submission).

Conditions:
Hereditary cancer-predisposing syndrome. Also called: Tumor predisposition; Hereditary Cancer Syndrome; Neoplastic Syndromes, Hereditary; Hereditary neoplastic syndrome. Identifiers: Orphanet 140162, MedGen C0027672, MeSH D009386, MONDO:0015356.
Familial thoracic aortic aneurysm and aortic dissection (TAAD). Also called: Thoracic aortic aneurysms and dissections. Identifiers: Orphanet 91387, MedGen C4707243, MONDO:0019625.

Submission:

Ambry Genetics
Classification: Uncertain significance for Hereditary cancer-predisposing syndrome; Familial thoracic aortic aneurysm and aortic dissection. Last evaluated: 2026-08-10. Review status: criteria provided, single submitter. Criteria: Ambry Variant Classification Scheme 2023. Collection method: clinical testing. Allele origin: germline.
Comment: The p.H382Y variant (also known as c.1144C>T), located in coding exon 9 of the SMAD4 gene, results from a C to T substitution at nucleotide position 1144. The histidine at codon 382 is replaced by tyrosine, an amino acid with similar properties. This amino acid position is highly conserved in available vertebrate species. In addition, this alteration is predicted to be deleterious by in silico analysis. Based on the available evidence, the clinical significance of this variant remains unclear.